The following is an entry in ClinVar:

ClinVar aggregate classification (germline): Uncertain significance. Review status: criteria provided, multiple submitters, no conflicts (2 of 4 stars). 2 submissions from 2 submitters: Uncertain significance (2). Last evaluated 2022-09-30.

Conditions:
Inborn genetic diseases. Identifiers: MedGen C0950123, MeSH D030342.
Acyl-CoA oxidase deficiency. Also called: STRAIGHT-CHAIN ACYL-CoA OXIDASE DEFICIENCY; Pseudoneonatal adrenoleukodystrophy; Peroxisomal acyl-CoA oxidase deficiency. Identifiers: Orphanet 2971, MedGen C1849678, MONDO:0009919, OMIM 264470. Disease mechanism: loss of function.

Allele frequency attached by ClinVar (database versions not stated): ExAC 0.00001; gnomAD 0.00001; ESP Exome Variant Server 0.00008.
gnomAD v4.1: 50 of 1,613,998 alleles (0.0031%); highest among the groups gnomAD compares: Non-Finnish European, 0.0037%; no homozygotes.

Submissions (2):

Labcorp Genetics (formerly Invitae), Labcorp
Classification: Uncertain significance for Acyl-CoA oxidase deficiency. Last evaluated: 2022-09-30. Review status: criteria provided, single submitter. Criteria: Invitae Variant Classification Sherloc (09022015). Collection method: clinical testing. Allele origin: germline.
Comment: This sequence change replaces alanine, which is neutral and non-polar, with valine, which is neutral and non-polar, at codon 571 of the ACOX1 protein (p.Ala571Val). This variant is present in population databases (rs369815943, gnomAD 0.004%). This variant has not been reported in the literature in individuals affected with ACOX1-related conditions. Advanced modeling of protein sequence and biophysical properties (such as structural, functional, and spatial information, amino acid conservation, physicochemical variation, residue mobility, and thermodynamic stability) performed at Invitae indicates that this missense variant is not expected to disrupt ACOX1 protein function. In summary, the available evidence is currently insufficient to determine the role of this variant in disease. Therefore, it has been classified as a Variant of Uncertain Significance.

Ambry Genetics
Classification: Uncertain significance for Inborn genetic diseases. Last evaluated: 2022-05-25. Review status: criteria provided, single submitter. Criteria: Ambry Variant Classification Scheme 2023. Collection method: clinical testing. Allele origin: germline.

NM_004035.7(ACOX1):c.1712C>T (p.Ala571Val)

Gene: ACOX1 (acyl-CoA oxidase 1; minus strand). Cytogenetic location: 17q25.1.
Variant type: single nucleotide variant.
Coding change: c.1712C>T on transcript NM_004035.7 (MANE Select); coding-DNA position 1712, C replaced by T.
Protein change: p.Ala571Val; replaces alanine 571 with valine.
Molecular consequence: missense variant.
Genome position (GRCh38, 1-based): chr17:75,949,233, G>A on the plus strand (C>T on the coding strand, the complement: ACOX1 is on the minus strand). VCF-style: chr17-75949233-G-A. GRCh37 (hg19) VCF-style: chr17-73945314-G-A.
Other names: c.1598C>T, p.Ala533Val (NM_001185039.2); c.1712C>T, p.Ala571Val (NM_007292.6); c.1712C>T (NM_004035.6); short protein forms A533V, A571V.
Identifiers: ClinVar variation 2194729 (VCV002194729.2), dbSNP rs369815943, ClinGen allele CA8776688.
Genomic context (GRCh38, chr17:75,949,233, plus strand): 5'-CTTAAAACAACAACAAAAAAGACTTATACTTAGAAAATACTGACCTGAAGGAAATCCCCC[G>A]CGTTCTGACTGATTCCATACAGAGAATACAGCAGACATAAACTCCTTAAGACAGCTTGAA-3'
Protein context (NP_004026.2, residues 561-581): LYSLYGISQN[Ala571Val]GDFLQGSIMT